The following is an entry in ClinVar:

ClinVar aggregate classification (germline): Uncertain significance. Review status: criteria provided, multiple submitters, no conflicts (2 of 4 stars). 2 submissions from 2 submitters: Uncertain significance (2). Last evaluated 2025-06-18.

Conditions:
Inborn genetic diseases. Identifiers: MedGen C0950123, MeSH D030342.

gnomAD v4.1: 1 of 1,207,247 alleles (0.000083%); no homozygotes.

Submissions (2):

Dasa
Classification: Uncertain significance. Last evaluated: 2025-06-18. Review status: criteria provided, single submitter. Criteria: DASA Assertion Criteria. Collection method: clinical testing. Allele origin: germline.
Comment: NM_001291415.2(KDM6A):c.3214A>G (p.Ile1072Val) is a missense variant that results in the substitution of isoleucine with valine. This variant is rare in population databases. Computational prediction algorithms are consistent with a benign effect. The currently available literature and clinical evidence are not sufficient to establish a definitive association between this variant and the reported condition. Therefore, this variant is classified as a variant of uncertain significance.

Ambry Genetics
Classification: Uncertain significance for Inborn genetic diseases. Last evaluated: 2022-06-29. Review status: criteria provided, single submitter. Criteria: Ambry Variant Classification Scheme 2023. Collection method: clinical testing. Allele origin: germline.

NM_001291415.2(KDM6A):c.3214A>G (p.Ile1072Val)

Gene: KDM6A (lysine demethylase 6A; plus strand). Cytogenetic location: Xp11.3.
Variant type: single nucleotide variant.
Coding change: c.3214A>G on transcript NM_001291415.2 (MANE Select); coding-DNA position 3214, A replaced by G.
Protein change: p.Ile1072Val; replaces isoleucine 1072 with valine.
Molecular consequence: missense variant. On other transcripts: non-coding transcript variant (1).
Genome position (GRCh38, 1-based): chrX:45,079,265, A>G. VCF-style: chrX-45079265-A-G. GRCh37 (hg19) VCF-style: chrX-44938510-A-G.
Other names: c.3079A>G, p.Ile1027Val (NM_001291416.2); c.2923A>G, p.Ile975Val (NM_001291417.2); c.2821A>G, p.Ile941Val (NM_001291418.2); c.2170A>G, p.Ile724Val (NM_001291421.2); c.2956A>G, p.Ile986Val (NM_001410742.1); c.3058A>G, p.Ile1020Val (NM_021140.4); short protein forms I1020V, I1072V, I1027V, I724V, I941V, I975V, I986V.
Identifiers: ClinVar variation 2298833 (VCV002298833.4), dbSNP rs2045278367, ClinGen allele CA412801608.